The following is an entry in ClinVar:

NM_001378615.1(CC2D2A):c.4757T>A (p.Ile1586Asn)

Genes: CC2D2A (coiled-coil and C2 domain containing 2A; plus strand), FBXL5 (F-box and leucine rich repeat protein 5; minus strand). Cytogenetic location: 4p15.32.
Variant type: single nucleotide variant.
Coding change: c.4757T>A on transcript NM_001378615.1 (MANE Select); coding-DNA position 4757, T replaced by A.
Protein change: p.Ile1586Asn; replaces isoleucine 1586 with asparagine.
Molecular consequence: missense variant.
Genome position (GRCh38, 1-based): chr4:15,601,319, T>A. VCF-style: chr4-15601319-T-A. GRCh37 (hg19) VCF-style: chr4-15602942-T-A.
Other names: c.4757T>A, p.Ile1586Asn (NM_001080522.2); c.4610T>A, p.Ile1537Asn (NM_001378617.1); short protein forms I1537N, I1586N.
Identifiers: ClinVar variation 2044432 (VCV002044432.4), dbSNP rs764003107, ClinGen allele CA356436380.

ClinVar aggregate classification (germline): Uncertain significance (1 of 4 stars; one submission).

Conditions:
Joubert syndrome. Also called: JOUBERT-BOLTSHAUSER SYNDROME; Familial aplasia of the vermis. Identifiers: Orphanet 475, MedGen C5979921, MONDO:0018772.
Meckel-Gruber syndrome. Also called: DYSENCEPHALIA SPLANCHNOCYSTICA; GRUBER SYNDROME; Dysencephalia splachnocystica. Identifiers: Orphanet 564, MedGen C0265215, MONDO:0018921.

Submission:

Labcorp Genetics (formerly Invitae), Labcorp
Classification: Uncertain significance for Joubert syndrome; Meckel-Gruber syndrome. Last evaluated: 2021-12-16. Review status: criteria provided, single submitter. Criteria: Invitae Variant Classification Sherloc (09022015). Collection method: clinical testing. Allele origin: germline.
Comment: In summary, the available evidence is currently insufficient to determine the role of this variant in disease. Therefore, it has been classified as a Variant of Uncertain Significance. Advanced modeling of protein sequence and biophysical properties (such as structural, functional, and spatial information, amino acid conservation, physicochemical variation, residue mobility, and thermodynamic stability) performed at Invitae indicates that this missense variant is expected to disrupt CC2D2A protein function. This variant has not been reported in the literature in individuals affected with CC2D2A-related conditions. This variant is not present in population databases (gnomAD no frequency). This sequence change replaces isoleucine, which is neutral and non-polar, with asparagine, which is neutral and polar, at codon 1586 of the CC2D2A protein (p.Ile1586Asn).